The following is an entry in ClinVar:

ClinVar aggregate classification (germline): Uncertain significance (1 of 4 stars; one submission).

gnomAD v4.1: 24 of 1,614,182 alleles (0.0015%); highest among the groups gnomAD compares: Non-Finnish European, 0.002%; no homozygotes.

Submission:

Ambry Genetics
Classification: Uncertain significance. Last evaluated: 2026-03-27. Review status: criteria provided, single submitter. Criteria: Ambry Variant Classification Scheme 2023. Collection method: clinical testing. Allele origin: germline.
Comment: The c.311T>A (p.F104Y) alteration is located in exon 1 (coding exon 1) of the OR1I1 gene. This alteration results from a T to A substitution at nucleotide position 311, causing the phenylalanine (F) at amino acid position 104 to be replaced by a tyrosine (Y). Based on data from gnomAD, the A allele has an overall frequency of <0.001% (1/251402) total alleles studied. The highest observed frequency was 0.001% (1/113688) of European (non-Finnish) alleles. Based on insufficient or conflicting evidence, the clinical significance of this alteration remains unclear.

NM_001004713.2(OR1I1):c.311T>A (p.Phe104Tyr)

Gene: OR1I1 (olfactory receptor family 1 subfamily I member 1; plus strand). Cytogenetic location: 19p13.12.
Variant type: single nucleotide variant.
Coding change: c.311T>A on transcript NM_001004713.2 (MANE Select); coding-DNA position 311, T replaced by A.
Protein change: p.Phe104Tyr; replaces phenylalanine 104 with tyrosine.
Molecular consequence: missense variant.
Genome position (GRCh38, 1-based): chr19:15,087,376, T>A. VCF-style: chr19-15087376-T-A. GRCh37 (hg19) VCF-style: chr19-15198187-T-A.
Other names: short protein forms F104Y.
Identifiers: ClinVar variation 4861407 (VCV004861407.1).